The following is an entry in ClinVar:

ClinVar aggregate classification (germline): Uncertain significance (1 of 4 stars; one submission).

Conditions:
Hereditary cancer-predisposing syndrome. Also called: Hereditary Cancer Syndrome; Hereditary neoplastic syndrome; Tumor predisposition; Neoplastic Syndromes, Hereditary. Identifiers: Orphanet 140162, MedGen C0027672, MeSH D009386, MONDO:0015356.

Submission:

Ambry Genetics
Classification: Uncertain significance for Hereditary cancer-predisposing syndrome. Last evaluated: 2022-01-07. Review status: criteria provided, single submitter. Criteria: Ambry Variant Classification Scheme 2023. Collection method: clinical testing. Allele origin: germline.
Comment: The p.V794G variant (also known as c.2381T>G), located in coding exon 9 of the MET gene, results from a T to G substitution at nucleotide position 2381. The valine at codon 794 is replaced by glycine, an amino acid with dissimilar properties. This amino acid position is conserved. In addition, the in silico prediction for this alteration is inconclusive. Since supporting evidence is limited at this time, the clinical significance of this alteration remains unclear.

NM_000245.4(MET):c.2327T>G (p.Val776Gly)

Gene: MET (MET proto-oncogene, receptor tyrosine kinase; plus strand). Cytogenetic location: 7q31.2.
Variant type: single nucleotide variant.
Coding change: c.2327T>G on transcript NM_000245.4 (MANE Select); coding-DNA position 2327, T replaced by G.
Protein change: p.Val776Gly; replaces valine 776 with glycine.
Molecular consequence: missense variant.
Genome position (GRCh38, 1-based): chr7:116,759,453, T>G. VCF-style: chr7-116759453-T-G. GRCh37 (hg19) VCF-style: chr7-116399507-T-G.
Other names: c.2381T>G, p.Val794Gly (NM_001127500.3); c.2327T>G, p.Val776Gly (NM_001324401.3); c.1037T>G, p.Val346Gly (NM_001324402.2); short protein forms V346G, V776G, V794G.
Identifiers: ClinVar variation 1790456 (VCV001790456.2), dbSNP rs2116938578, ClinGen allele CA368982386.